The following is an entry in ClinVar:

NM_020458.4(TTC7A):c.1728_1730del (p.Ser577del)

Gene: TTC7A (tetratricopeptide repeat domain 7A; plus strand). Cytogenetic location: 2p21.
Variant type: Deletion.
Coding change: c.1728_1730del on transcript NM_020458.4 (MANE Select); coding-DNA positions 1728 to 1730, 3 bases deleted (CTC; older notation c.1728_1730delCTC).
Protein change: p.Ser577del; deletes serine 577.
Molecular consequence: inframe deletion.
Genome position (GRCh38, 1-based): chr2:47,029,310-47,029,312, CTC deleted. VCF-style (leftmost placement, unchanged base first): chr2-47029309-TCTC-T. GRCh37 (hg19) VCF-style: chr2-47256448-TCTC-T.
Other names: c.1728_1730del, p.Ser577del (NM_001288951.2); c.1626_1628del, p.Ser543del (NM_001288953.2); c.666_668del, p.Ser223del (NM_001288955.2); short protein forms S223del, S577del, S543del.
Identifiers: ClinVar variation 4983154 (VCV004983154.1).

ClinVar aggregate classification (germline): Uncertain significance (1 of 4 stars; one submission).

Conditions:
TTC7A-related disorder. Also called: TTC7A-related condition.

Submission:

PreventionGenetics, part of Exact Sciences
Classification: Uncertain significance for TTC7A-related condition. Last evaluated: 2026-07-31. Review status: criteria provided, single submitter. Criteria: ACMG Guidelines, 2015. Collection method: clinical testing. Allele origin: germline.
Comment: The TTC7A c.1728_1730delCTC variant is predicted to result in an in-frame deletion (p.Ser577del). To our knowledge, this variant has not been reported in the literature or in a large population database (gnomAD), indicating this variant is rare. At this time, the clinical significance of this variant is uncertain due to the absence of conclusive functional and genetic evidence.